The following is an entry in ClinVar:

NM_001278116.2(L1CAM):c.2900C>T (p.Ser967Phe)

Gene: L1CAM (L1 cell adhesion molecule; minus strand). Cytogenetic location: Xq28.
Variant type: single nucleotide variant.
Coding change: c.2900C>T on transcript NM_001278116.2 (MANE Select); coding-DNA position 2900, C replaced by T.
Protein change: p.Ser967Phe; replaces serine 967 with phenylalanine.
Molecular consequence: missense variant.
Genome position (GRCh38, 1-based): chrX:153,864,967, G>A on the plus strand (C>T on the coding strand, the complement: L1CAM is on the minus strand). VCF-style: chrX-153864967-G-A. GRCh37 (hg19) VCF-style: chrX-153130422-G-A.
Other names: c.2900C>T, p.Ser967Phe (NM_000425.5, NM_024003.3); c.2885C>T, p.Ser962Phe (NM_001143963.2); short protein forms S962F, S967F.
Identifiers: ClinVar variation 2576907 (VCV002576907.1), dbSNP rs2520970604, ClinGen allele CA415114359.

ClinVar aggregate classification (germline): Uncertain significance (1 of 4 stars; one submission).

Submission:

GeneDx
Classification: Uncertain significance. Last evaluated: 2023-02-20. Review status: criteria provided, single submitter. Criteria: GeneDx Variant Classification Process June 2021. Collection method: clinical testing. Allele origin: germline. Affected: yes.
Comment: Not observed at significant frequency in large population cohorts (gnomAD); In silico analysis supports that this missense variant does not alter protein structure/function; Has not been previously published as pathogenic or benign to our knowledge; This variant is associated with the following publications: (PMID: 25641508)